The following is an entry in ClinVar:

ClinVar aggregate classification (germline): Uncertain significance (1 of 4 stars; one submission).

Submission:

Ambry Genetics
Classification: Uncertain significance. Last evaluated: 2022-10-29. Review status: criteria provided, single submitter. Criteria: Ambry Variant Classification Scheme 2023. Collection method: clinical testing. Allele origin: germline.
Comment: The p.H145Y variant (also known as c.433C>T), located in coding exon 3 of the ALPK2 gene, results from a C to T substitution at nucleotide position 433. The histidine at codon 145 is replaced by tyrosine, an amino acid with similar properties. This amino acid position is conserved. In addition, this alteration is predicted to be tolerated by in silico analysis. Since supporting evidence is limited at this time, the clinical significance of this alteration remains unclear.

NM_052947.4(ALPK2):c.433C>T (p.His145Tyr)

Gene: ALPK2 (alpha kinase 2; minus strand). Cytogenetic location: 18q21.31.
Variant type: single nucleotide variant.
Coding change: c.433C>T on transcript NM_052947.4 (MANE Select); coding-DNA position 433, C replaced by T.
Protein change: p.His145Tyr; replaces histidine 145 with tyrosine.
Molecular consequence: missense variant.
Genome position (GRCh38, 1-based): chr18:58,580,343, G>A on the plus strand (C>T on the coding strand, the complement: ALPK2 is on the minus strand). VCF-style: chr18-58580343-G-A. GRCh37 (hg19) VCF-style: chr18-56247575-G-A.
Other names: short protein forms H145Y.
Identifiers: ClinVar variation 1739842 (VCV001739842.2), dbSNP rs2518900254, ClinGen allele CA402567982.